The following is an entry in ClinVar:

NM_138814.4(PNPLA5):c.856T>C (p.Trp286Arg)

Gene: PNPLA5 (patatin like domain 5, triacylglycerol lipase; minus strand). Cytogenetic location: 22q13.31.
Variant type: single nucleotide variant.
Coding change: c.856T>C on transcript NM_138814.4 (MANE Select); coding-DNA position 856, T replaced by C.
Protein change: p.Trp286Arg; replaces tryptophan 286 with arginine.
Molecular consequence: missense variant.
Genome position (GRCh38, 1-based): chr22:43,886,396, A>G on the plus strand (T>C on the coding strand, the complement: PNPLA5 is on the minus strand). VCF-style: chr22-43886396-A-G. GRCh37 (hg19) VCF-style: chr22-44282276-A-G.
Other names: c.514T>C, p.Trp172Arg (NM_001177675.2); c.436T>C, p.Trp146Arg (NM_001371410.1); short protein forms W146R, W172R, W286R.
Identifiers: ClinVar variation 3060401 (VCV003060401.2), dbSNP rs739231, ClinGen allele CA10277465.

ClinVar aggregate classification (germline): Benign (0 of 4 stars; one submission).

Conditions:
PNPLA5-related disorder. Also called: PNPLA5-related condition.

Allele frequency attached by ClinVar (database versions not stated): ESP Exome Variant Server 0.33708; TOPMed 0.37168; gnomAD 0.37715; gnomAD exomes 0.39895; ExAC 0.44455; 1000 Genomes Project 30x 0.48673; 1000 Genomes Project 0.50240.
gnomAD v4.1: 641,090 of 1,613,160 alleles (40%); highest among the groups gnomAD compares: East Asian, 93%; 137,584 homozygotes.

Submission:

PreventionGenetics, part of Exact Sciences
Classification: Benign for PNPLA5-related condition. Last evaluated: 2019-10-17. Review status: no assertion criteria provided. Collection method: clinical testing. Allele origin: germline.
Comment: This variant is classified as benign based on ACMG/AMP sequence variant interpretation guidelines (Richards et al. 2015 PMID: 25741868, with internal and published modifications).